The following is an entry in ClinVar:

ClinVar aggregate classification (germline): Uncertain significance. Review status: criteria provided, multiple submitters, no conflicts (2 of 4 stars). 2 submissions from 2 submitters: Uncertain significance (2). Last evaluated 2023-11-18.

Conditions:
Hereditary cancer-predisposing syndrome. Also called: Hereditary neoplastic syndrome; Neoplastic Syndromes, Hereditary; Hereditary Cancer Syndrome; Tumor predisposition. Identifiers: Orphanet 140162, MedGen C0027672, MeSH D009386, MONDO:0015356.
Carney complex, type 1 (CNC1). Also called: CARNEY COMPLEX, TYPE I; CARNEY MYXOMA-ENDOCRINE COMPLEX. Identifiers: Orphanet 1359, MedGen C2607929, MONDO:0008057, OMIM 160980.

Submissions (2):

Labcorp Genetics (formerly Invitae), Labcorp
Classification: Uncertain significance for Carney complex, type 1. Last evaluated: 2023-11-18. Review status: criteria provided, single submitter. Criteria: Invitae Variant Classification Sherloc (09022015). Collection method: clinical testing. Allele origin: germline.
Comment: This sequence change replaces glutamic acid, which is acidic and polar, with glutamine, which is neutral and polar, at codon 55 of the PRKAR1A protein (p.Glu55Gln). This variant is not present in population databases (gnomAD no frequency). This variant has not been reported in the literature in individuals affected with PRKAR1A-related conditions. ClinVar contains an entry for this variant (Variation ID: 2166522). An algorithm developed to predict the effect of missense changes on protein structure and function (PolyPhen-2) suggests that this variant is likely to be tolerated. In summary, the available evidence is currently insufficient to determine the role of this variant in disease. Therefore, it has been classified as a Variant of Uncertain Significance.

Ambry Genetics
Classification: Uncertain significance for Hereditary cancer-predisposing syndrome. Last evaluated: 2023-09-13. Review status: criteria provided, single submitter. Criteria: Ambry Variant Classification Scheme 2023. Collection method: clinical testing. Allele origin: germline.
Comment: The p.E55Q variant (also known as c.163G>C), located in coding exon 1 of the PRKAR1A gene, results from a G to C substitution at nucleotide position 163. The glutamic acid at codon 55 is replaced by glutamine, an amino acid with highly similar properties. This amino acid position is conserved. In addition, the in silico prediction for this alteration is inconclusive. Since supporting evidence is limited at this time, the clinical significance of this alteration remains unclear.

NM_002734.5(PRKAR1A):c.163G>C (p.Glu55Gln)

Gene: PRKAR1A (protein kinase cAMP-dependent type I regulatory subunit alpha; plus strand). Cytogenetic location: 17q24.2.
Variant type: single nucleotide variant.
Coding change: c.163G>C on transcript NM_002734.5 (MANE Select); coding-DNA position 163, G replaced by C.
Protein change: p.Glu55Gln; replaces glutamic acid 55 with glutamine.
Molecular consequence: missense variant.
Genome position (GRCh38, 1-based): chr17:68,515,562, G>C. VCF-style: chr17-68515562-G-C. GRCh37 (hg19) VCF-style: chr17-66511703-G-C.
Other names: c.163G>C, p.Glu55Gln (NM_001276289.2, NM_001276290.1, NM_001278433.2 and 4 more transcripts); c.163G>C (NM_002734.3); short protein forms E55Q.
Identifiers: ClinVar variation 2166522 (VCV002166522.6), dbSNP rs2143153530, ClinGen allele CA400752104.